The following is an entry in ClinVar:

ClinVar aggregate classification (germline): Benign/Likely benign. Review status: criteria provided, multiple submitters, no conflicts (2 of 4 stars). 5 submissions from 5 submitters: Benign (2); Likely benign (3). Last evaluated 2026-05-01.

Conditions:
PUF60-related disorder. Also called: PUF60-related condition.

Allele frequency attached by ClinVar (database versions not stated): ESP Exome Variant Server 0.00008; gnomAD 0.00010 and 0.00011; gnomAD exomes 0.00018 and 0.00091; TOPMed 0.00041; ExAC 0.00091.

Submissions (5):

CeGaT Center for Human Genetics Tuebingen
Classification: Likely benign. Last evaluated: 2026-05-01. Review status: criteria provided, single submitter. Criteria: CeGaT Center For Human Genetics Tuebingen Variant Classification Criteria Version 2. Collection method: clinical testing. Allele origin: germline. Affected: yes. Observed: 4 variant alleles.
Comment: PUF60: PP2, BP4, BS1

PreventionGenetics, part of Exact Sciences
Classification: Likely benign for PUF60-related condition. Last evaluated: 2026-01-25. Review status: criteria provided, single submitter. Criteria: ACMG Guidelines, 2015. Collection method: clinical testing. Allele origin: germline.
Comment: This variant is classified as likely benign based on ACMG/AMP sequence variant interpretation guidelines (Richards et al. 2015 PMID: 25741868, with internal and published modifications).

Blueprint Genetics
Classification: Likely benign. Last evaluated: 2021-10-30. Review status: criteria provided, single submitter. Criteria: ACMG Guidelines, 2015. Collection method: clinical testing. Allele origin: germline.

Labcorp Genetics (formerly Invitae), Labcorp
Classification: Benign. Last evaluated: 2019-12-31. Review status: criteria provided, single submitter. Criteria: Invitae Variant Classification Sherloc (09022015). Collection method: clinical testing. Allele origin: germline.

Breakthrough Genomics
Classification: Benign. Review status: criteria provided, single submitter. Criteria: ACMG Guidelines, 2015. Collection method: not provided. Allele origin: germline. Inheritance: Autosomal dominant inheritance. Affected: yes.

NM_078480.3(PUF60):c.154G>A (p.Ala52Thr)

Gene: PUF60 (poly(U) binding splicing factor 60; minus strand). Cytogenetic location: 8q24.3.
Variant type: single nucleotide variant.
Coding change: c.154G>A on transcript NM_078480.3 (MANE Select); coding-DNA position 154, G replaced by A.
Protein change: p.Ala52Thr; replaces alanine 52 with threonine.
Molecular consequence: missense variant.
Genome position (GRCh38, 1-based): chr8:143,821,871, C>T on the plus strand (G>A on the coding strand, the complement: PUF60 is on the minus strand). VCF-style: chr8-143821871-C-T. GRCh37 (hg19) VCF-style: chr8-144904041-C-T.
Other names: c.25G>A, p.Ala9Thr (NM_001136033.3, NM_001271100.2); c.151G>A, p.Ala51Thr (NM_001271096.2, NM_001271098.2); c.67G>A, p.Ala23Thr (NM_001271097.2, NM_001271099.2); c.265G>A, p.Ala89Thr (NM_001362895.2, NM_001362896.2, NM_001362897.2); c.154G>A, p.Ala52Thr (NM_014281.5); short protein forms A23T, A51T, A89T, A52T, A9T.
Identifiers: ClinVar variation 740348 (VCV000740348.11), dbSNP rs377141341, ClinGen allele CA187617875.